The following is an entry in ClinVar:

NM_002615.7(SERPINF1):c.787-487T>C

Gene: SERPINF1 (serpin family F member 1; plus strand). Cytogenetic location: 17p13.3.
Variant type: single nucleotide variant.
Coding change: c.787-487T>C on transcript NM_002615.7 (MANE Select); 487 bases into the intron before coding-DNA position 787, T replaced by C.
Molecular consequence: intron variant.
Genome position (GRCh38, 1-based): chr17:1,776,045, T>C. VCF-style: chr17-1776045-T-C. GRCh37 (hg19) VCF-style: chr17-1679339-T-C.
Other names: c.226-487T>C (NM_001329904.2, NM_001329905.2); c.787-487T>C (NM_001329903.2).
Identifiers: ClinVar variation 673484 (VCV000673484.1), dbSNP rs7225866, ClinGen allele CA286850752.

ClinVar aggregate classification (germline): Benign (1 of 4 stars; one submission).

Allele frequency attached by ClinVar (database versions not stated): gnomAD 0.02960 and 0.03162; TOPMed 0.03357; 1000 Genomes Project 0.03514; 1000 Genomes Project 30x 0.03607.
gnomAD v4.1: 4,458 of 152,212 alleles (2.9%); highest among the groups gnomAD compares: African/African-American, 10%; 228 homozygotes.

Submission:

GeneDx
Classification: Benign. Last evaluated: 2018-06-16. Review status: criteria provided, single submitter. Criteria: GeneDx Variant Classification (06012015). Collection method: clinical testing. Allele origin: germline. Affected: yes.
Comment: This variant is considered likely benign or benign based on one or more of the following criteria: it is a conservative change, it occurs at a poorly conserved position in the protein, it is predicted to be benign by multiple in silico algorithms, and/or has population frequency not consistent with disease.